The following is an entry in ClinVar:

NM_001164665.2(KIAA1549):c.4253C>G (p.Ser1418Cys)

Gene: KIAA1549 (KIAA1549; minus strand). Cytogenetic location: 7q34.
Variant type: single nucleotide variant.
Coding change: c.4253C>G on transcript NM_001164665.2 (MANE Select); coding-DNA position 4253, C replaced by G.
Protein change: p.Ser1418Cys; replaces serine 1418 with cysteine.
Molecular consequence: missense variant.
Genome position (GRCh38, 1-based): chr7:138,879,630, G>C on the plus strand (C>G on the coding strand, the complement: KIAA1549 is on the minus strand). VCF-style: chr7-138879630-G-C. GRCh37 (hg19) VCF-style: chr7-138564376-G-C.
Other names: c.4253C>G, p.Ser1418Cys (NM_020910.3); short protein forms S1418C.
Identifiers: ClinVar variation 1461403 (VCV001461403.6), dbSNP rs1584725579, ClinGen allele CA369376142.

ClinVar aggregate classification (germline): Uncertain significance (1 of 4 stars; one submission).

Submission:

Labcorp Genetics (formerly Invitae), Labcorp
Classification: Uncertain significance. Last evaluated: 2021-08-12. Review status: criteria provided, single submitter. Criteria: Invitae Variant Classification Sherloc (09022015). Collection method: clinical testing. Allele origin: germline.
Comment: In summary, the available evidence is currently insufficient to determine the role of this variant in disease. Therefore, it has been classified as a Variant of Uncertain Significance. Algorithms developed to predict the effect of sequence changes on RNA splicing suggest that this variant may create or strengthen a splice site. Algorithms developed to predict the effect of missense changes on protein structure and function (SIFT, PolyPhen-2, Align-GVGD) all suggest that this variant is likely to be disruptive. This variant has not been reported in the literature in individuals affected with KIAA1549-related conditions. This variant is not present in population databases (ExAC no frequency). This sequence change replaces serine with cysteine at codon 1418 of the KIAA1549 protein (p.Ser1418Cys). The serine residue is highly conserved and there is a moderate physicochemical difference between serine and cysteine.